The following is an entry in ClinVar:

ClinVar aggregate classification (germline): Uncertain significance (1 of 4 stars; one submission).

Conditions:
Hereditary cancer-predisposing syndrome. Also called: Hereditary Cancer Syndrome; Hereditary neoplastic syndrome; Neoplastic Syndromes, Hereditary; Tumor predisposition. Identifiers: Orphanet 140162, MedGen C0027672, MeSH D009386, MONDO:0015356.

Submission:

Ambry Genetics
Classification: Uncertain significance for Hereditary cancer-predisposing syndrome. Last evaluated: 2021-11-08. Review status: criteria provided, single submitter. Criteria: Ambry Variant Classification Scheme 2023. Collection method: clinical testing. Allele origin: germline.
Comment: The p.V344E variant (also known as c.1031T>A), located in coding exon 8 of the CDH1 gene, results from a T to A substitution at nucleotide position 1031. The valine at codon 344 is replaced by glutamic acid, an amino acid with dissimilar properties. This amino acid position is not well conserved in available vertebrate species. In addition, this alteration is predicted to be tolerated by in silico analysis. Since supporting evidence is limited at this time, the clinical significance of this alteration remains unclear.

NM_004360.5(CDH1):c.1031T>A (p.Val344Glu)

Gene: CDH1 (cadherin 1; plus strand). Cytogenetic location: 16q22.1.
Variant type: single nucleotide variant.
Coding change: c.1031T>A on transcript NM_004360.5 (MANE Select); coding-DNA position 1031, T replaced by A.
Protein change: p.Val344Glu; replaces valine 344 with glutamic acid.
Molecular consequence: missense variant. On other transcripts: 5 prime UTR variant (2).
Genome position (GRCh38, 1-based): chr16:68,812,157, T>A. VCF-style: chr16-68812157-T-A. GRCh37 (hg19) VCF-style: chr16-68846060-T-A.
Other names: c.1031T>A, p.Val344Glu (NM_001317184.2); c.-585T>A (NM_001317185.2); c.-789T>A (NM_001317186.2); short protein forms V344E.
Identifiers: ClinVar variation 1771355 (VCV001771355.2), dbSNP rs2543924047, ClinGen allele CA396459959.